The following is an entry in ClinVar:

ClinVar aggregate classification (germline): Uncertain significance (1 of 4 stars; one submission).

Allele frequency attached by ClinVar (database versions not stated): TOPMed below 0.00001; gnomAD 0.00001; gnomAD exomes 0.00007; ExAC 0.00008; ESP Exome Variant Server 0.00008.
gnomAD v4.1: 72 of 1,613,982 alleles (0.0045%); highest among the groups gnomAD compares: South Asian, 0.052%; no homozygotes.

Submission:

Labcorp Genetics (formerly Invitae), Labcorp
Classification: Uncertain significance. Last evaluated: 2022-03-10. Review status: criteria provided, single submitter. Criteria: Invitae Variant Classification Sherloc (09022015). Collection method: clinical testing. Allele origin: germline.
Comment: In summary, the available evidence is currently insufficient to determine the role of this variant in disease. Therefore, it has been classified as a Variant of Uncertain Significance. Experimental studies and prediction algorithms are not available or were not evaluated, and the functional significance of this variant is currently unknown. ClinVar contains an entry for this variant (Variation ID: 1013671). This variant has not been reported in the literature in individuals affected with ARMC9-related conditions. This variant is present in population databases (rs376477328, gnomAD 0.05%). This sequence change replaces serine, which is neutral and polar, with asparagine, which is neutral and polar, at codon 268 of the ARMC9 protein (p.Ser268Asn).

NM_001352754.2(ARMC9):c.803G>A (p.Ser268Asn)

Gene: ARMC9 (armadillo repeat containing 9; plus strand). Cytogenetic location: 2q37.1.
Variant type: single nucleotide variant.
Coding change: c.803G>A on transcript NM_001352754.2 (MANE Select); coding-DNA position 803, G replaced by A.
Protein change: p.Ser268Asn; replaces serine 268 with asparagine.
Molecular consequence: missense variant. On other transcripts: non-coding transcript variant (1), intron variant (2).
Genome position (GRCh38, 1-based): chr2:231,239,965, G>A. VCF-style: chr2-231239965-G-A. GRCh37 (hg19) VCF-style: chr2-232104678-G-A.
Other names: c.803G>A, p.Ser268Asn (NM_001271466.4, NM_001291656.2, NM_001352755.2 and 3 more transcripts); c.780+4584G>A (NM_001352757.2, NM_001352758.2); short protein forms S268N.
Identifiers: ClinVar variation 1013671 (VCV001013671.4), dbSNP rs376477328, ClinGen allele CA2160053.